The following is an entry in ClinVar:

NM_001271.4(CHD2):c.890A>T (p.Asp297Val)

Gene: CHD2 (chromodomain helicase DNA binding protein 2; plus strand). Cytogenetic location: 15q26.1.
Variant type: single nucleotide variant.
Coding change: c.890A>T on transcript NM_001271.4 (MANE Select); coding-DNA position 890, A replaced by T.
Protein change: p.Asp297Val; replaces aspartic acid 297 with valine.
Molecular consequence: missense variant.
Genome position (GRCh38, 1-based): chr15:92,942,906, A>T. VCF-style: chr15-92942906-A-T. GRCh37 (hg19) VCF-style: chr15-93486136-A-T.
Other names: c.890A>T, p.Asp297Val (NM_001042572.3); short protein forms D297V.
Identifiers: ClinVar variation 1014189 (VCV001014189.9), dbSNP rs527697910, ClinGen allele CA274871674.

ClinVar aggregate classification (germline): Uncertain significance (1 of 4 stars; one submission).

Conditions:
Developmental and epileptic encephalopathy 94 (DEE94). Also called: CHD2-Related Neurodevelopmental Disorders; Epileptic encephalopathy, childhood-onset. Identifiers: Orphanet 1942, Orphanet 2382, MedGen C3809278, MONDO:0014150, OMIM 615369.

Allele frequency attached by ClinVar (database versions not stated): gnomAD exomes 0.00001.
gnomAD v4.1: 6 of 1,614,100 alleles (0.00037%); highest among the groups gnomAD compares: South Asian, 0.0033%; no homozygotes.

Submission:

Labcorp Genetics (formerly Invitae), Labcorp
Classification: Uncertain significance for Developmental and epileptic encephalopathy 94. Last evaluated: 2024-12-02. Review status: criteria provided, single submitter. Criteria: Invitae Variant Classification Sherloc (09022015). Collection method: clinical testing. Allele origin: germline.
Comment: This sequence change replaces aspartic acid, which is acidic and polar, with valine, which is neutral and non-polar, at codon 297 of the CHD2 protein (p.Asp297Val). This variant is present in population databases (rs527697910, gnomAD 0.006%). This variant has not been reported in the literature in individuals affected with CHD2-related conditions. ClinVar contains an entry for this variant (Variation ID: 1014189). Invitae Evidence Modeling of protein sequence and biophysical properties (such as structural, functional, and spatial information, amino acid conservation, physicochemical variation, residue mobility, and thermodynamic stability) indicates that this missense variant is not expected to disrupt CHD2 protein function with a negative predictive value of 95%. In summary, the available evidence is currently insufficient to determine the role of this variant in disease. Therefore, it has been classified as a Variant of Uncertain Significance.